The following is an entry in ClinVar:

NM_014956.5(CEP164):c.79C>G (p.Gln27Glu)

Gene: CEP164 (centrosomal protein 164; plus strand). Cytogenetic location: 11q23.3.
Variant type: single nucleotide variant.
Coding change: c.79C>G on transcript NM_014956.5 (MANE Select); coding-DNA position 79, C replaced by G.
Protein change: p.Gln27Glu; replaces glutamine 27 with glutamic acid.
Molecular consequence: missense variant.
Genome position (GRCh38, 1-based): chr11:117,338,665, C>G. VCF-style: chr11-117338665-C-G. GRCh37 (hg19) VCF-style: chr11-117209381-C-G.
Other names: c.79C>G, p.Gln27Glu (NM_001271933.2); c.79C>G (NM_014956.4); short protein forms Q27E.
Identifiers: ClinVar variation 2196163 (VCV002196163.5), dbSNP rs565845914, ClinGen allele CA6294310.
Genomic context (GRCh38, chr11:117,338,665, plus strand): 5'-CGCATAGGAGATCAGCTGGTTCTGGAAGAAGATTATGATGAGACCTACATTCCTAGTGAG[C>G]AAGGTAACAAGTCTGTGAAGAGGCCTGTGGTGTATTGTGTTTGTTTTTTGAGGACAGGGA-3'
Protein context (NP_055771.4, residues 17-37): DYDETYIPSE[Gln27Glu]EILEFAREIG

ClinVar aggregate classification (germline): Uncertain significance. Review status: criteria provided, multiple submitters, no conflicts (2 of 4 stars). 2 submissions from 2 submitters: Uncertain significance (2). Last evaluated 2025-04-11.

Conditions:
Nephronophthisis 15 (NPHP15). Identifiers: Orphanet 3156, MedGen C3541853, MONDO:0013917, OMIM 614845.
CEP164-related disorder. Also called: CEP164-related condition.

Allele frequency attached by ClinVar (database versions not stated): ExAC 0.00002.
gnomAD v4.1: 21 of 1,610,286 alleles (0.0013%); highest among the groups gnomAD compares: Non-Finnish European, 0.0018%; no homozygotes.

Submissions (2):

PreventionGenetics, part of Exact Sciences
Classification: Uncertain significance for CEP164-related condition. Last evaluated: 2025-04-11. Review status: criteria provided, single submitter. Criteria: ACMG Guidelines, 2015. Collection method: clinical testing. Allele origin: germline.
Comment: The CEP164 c.79C>G variant is predicted to result in the amino acid substitution p.Gln27Glu. To our knowledge, this variant has not been reported in the literature. This variant is reported in 0.0026% of alleles in individuals of European (Non-Finnish) descent in gnomAD. At this time, the clinical significance of this variant is uncertain due to the absence of conclusive functional and genetic evidence.

Labcorp Genetics (formerly Invitae), Labcorp
Classification: Uncertain significance for Nephronophthisis 15. Last evaluated: 2022-10-13. Review status: criteria provided, single submitter. Criteria: Invitae Variant Classification Sherloc (09022015). Collection method: clinical testing. Allele origin: germline.
Comment: In summary, the available evidence is currently insufficient to determine the role of this variant in disease. Therefore, it has been classified as a Variant of Uncertain Significance. Algorithms developed to predict the effect of sequence changes on RNA splicing suggest that this variant may disrupt the consensus splice site. Algorithms developed to predict the effect of missense changes on protein structure and function are either unavailable or do not agree on the potential impact of this missense change (SIFT: "Deleterious"; PolyPhen-2: "Benign"; Align-GVGD: "Class C0"). This variant has not been reported in the literature in individuals affected with CEP164-related conditions. This variant is present in population databases (rs565845914, gnomAD 0.003%). This sequence change replaces glutamine, which is neutral and polar, with glutamic acid, which is acidic and polar, at codon 27 of the CEP164 protein (p.Gln27Glu).